The following is an entry in ClinVar:

ClinVar aggregate classification (germline): Uncertain significance. Review status: criteria provided, multiple submitters, no conflicts (2 of 4 stars). 2 submissions from 2 submitters: Uncertain significance (2). Last evaluated 2025-02-21.

Conditions:
Inborn genetic diseases. Identifiers: MedGen C0950123, MeSH D030342.

gnomAD v4.1: 24 of 1,613,918 alleles (0.0015%); highest among the groups gnomAD compares: Non-Finnish European, 0.0019%; no homozygotes.

Submissions (2):

GeneDx
Classification: Uncertain significance. Last evaluated: 2025-02-21. Review status: criteria provided, single submitter. Criteria: GeneDx Variant Classification Process June 2021. Collection method: clinical testing. Allele origin: germline. Affected: yes.
Comment: Not observed at significant frequency in large population cohorts (gnomAD); In silico analysis indicates that this missense variant does not alter protein structure/function; Has not been previously published as pathogenic or benign to our knowledge

Ambry Genetics
Classification: Uncertain significance for Inborn genetic diseases. Last evaluated: 2024-08-12. Review status: criteria provided, single submitter. Criteria: Ambry Variant Classification Scheme 2023. Collection method: clinical testing. Allele origin: germline.

NM_016343.4(CENPF):c.6566C>T (p.Thr2189Ile)

Gene: CENPF (centromere protein F; plus strand). Cytogenetic location: 1q41.
Variant type: single nucleotide variant.
Coding change: c.6566C>T on transcript NM_016343.4 (MANE Select); coding-DNA position 6566, C replaced by T.
Protein change: p.Thr2189Ile; replaces threonine 2189 with isoleucine.
Molecular consequence: missense variant.
Genome position (GRCh38, 1-based): chr1:214,646,136, C>T. VCF-style: chr1-214646136-C-T. GRCh37 (hg19) VCF-style: chr1-214819479-C-T.
Other names: short protein forms T2189I.
Identifiers: ClinVar variation 3490328 (VCV003490328.2).